The following is an entry in ClinVar:

NM_001134673.4(NFIA):c.849T>G (p.Asp283Glu)

Gene: NFIA (nuclear factor I A; plus strand). Cytogenetic location: 1p31.3.
Variant type: single nucleotide variant.
Coding change: c.849T>G on transcript NM_001134673.4 (MANE Select); coding-DNA position 849, T replaced by G.
Protein change: p.Asp283Glu; replaces aspartic acid 283 with glutamic acid.
Molecular consequence: missense variant.
Genome position (GRCh38, 1-based): chr1:61,359,177, T>G. VCF-style: chr1-61359177-T-G. GRCh37 (hg19) VCF-style: chr1-61824849-T-G.
Other names: c.825T>G, p.Asp275Glu (NM_001145511.2); c.984T>G, p.Asp328Glu (NM_001145512.2); c.849T>G, p.Asp283Glu (NM_005595.5); short protein forms D275E, D283E, D328E.
Identifiers: ClinVar variation 3627389 (VCV003627389.2).

ClinVar aggregate classification (germline): Uncertain significance (1 of 4 stars; one submission).

gnomAD v4.1: 6 of 1,613,418 alleles (0.00037%); highest among the groups gnomAD compares: Non-Finnish European, 0.00051%; no homozygotes.

Submission:

Labcorp Genetics (formerly Invitae), Labcorp
Classification: Uncertain significance. Last evaluated: 2024-03-07. Review status: criteria provided, single submitter. Criteria: Invitae Variant Classification Sherloc (09022015). Collection method: clinical testing. Allele origin: germline.
Comment: This sequence change replaces aspartic acid, which is acidic and polar, with glutamic acid, which is acidic and polar, at codon 283 of the NFIA protein (p.Asp283Glu). This variant is present in population databases (rs766411654, gnomAD 0.002%). This variant has not been reported in the literature in individuals affected with NFIA-related conditions. An algorithm developed to predict the effect of missense changes on protein structure and function (PolyPhen-2) suggests that this variant is likely to be tolerated. In summary, the available evidence is currently insufficient to determine the role of this variant in disease. Therefore, it has been classified as a Variant of Uncertain Significance.